The following is an entry in ClinVar:

ClinVar aggregate classification (germline): Uncertain significance. Review status: criteria provided, single submitter (1 of 4 stars). 2 submissions from 2 submitters: Uncertain significance (1). 1 of the submissions does not count toward it. Last evaluated 2024-06-13.

Conditions:
RAI1-related disorder. Also called: RAI1-related condition.

Allele frequency attached by ClinVar (database versions not stated): gnomAD exomes below 0.00001; TOPMed 0.00001.
gnomAD v4.1: 5 of 1,613,240 alleles (0.00031%); highest among the groups gnomAD compares: Non-Finnish European, 0.00042%; no homozygotes.

Submissions (2):

GeneDx
Classification: Uncertain significance. Last evaluated: 2024-06-13. Review status: criteria provided, single submitter. Criteria: GeneDx Variant Classification Process June 2021. Collection method: clinical testing. Allele origin: germline. Affected: yes.
Comment: Not observed at significant frequency in large population cohorts (gnomAD); In silico analysis indicates that this missense variant does not alter protein structure/function; Has not been previously published as pathogenic or benign to our knowledge

PreventionGenetics, part of Exact Sciences
Classification: Uncertain significance for RAI1-related condition. Last evaluated: 2024-05-02. Review status: no assertion criteria provided. Collection method: clinical testing. Allele origin: germline. Not counted in ClinVar's aggregate classification.
Comment: The RAI1 c.2746T>A variant is predicted to result in the amino acid substitution p.Ser916Thr. To our knowledge, this variant has not been reported in the literature or in gnomAD, indicating this variant is rare. At this time, the clinical significance of this variant is uncertain due to the absence of conclusive functional and genetic evidence.

NM_030665.4(RAI1):c.2746T>A (p.Ser916Thr)

Gene: RAI1 (retinoic acid induced 1; plus strand). Cytogenetic location: 17p11.2.
Variant type: single nucleotide variant.
Coding change: c.2746T>A on transcript NM_030665.4 (MANE Select); coding-DNA position 2746, T replaced by A.
Protein change: p.Ser916Thr; replaces serine 916 with threonine.
Molecular consequence: missense variant.
Genome position (GRCh38, 1-based): chr17:17,795,694, T>A. VCF-style: chr17-17795694-T-A. GRCh37 (hg19) VCF-style: chr17-17699008-T-A.
Other names: short protein forms S916T.
Identifiers: ClinVar variation 1326754 (VCV001326754.3), dbSNP rs2032211451, ClinGen allele CA398551907.